The following is an entry in ClinVar:

ClinVar aggregate classification (germline): Benign (1 of 4 stars; one submission).

Allele frequency attached by ClinVar (database versions not stated): gnomAD 0.71353 and 0.71613; TOPMed 0.72583; 1000 Genomes Project 30x 0.77592; 1000 Genomes Project 0.78155.
gnomAD v4.1: 108,881 of 152,110 alleles (72%); highest among the groups gnomAD compares: East Asian, 90%; 39,359 homozygotes.

Submission:

GeneDx
Classification: Benign. Last evaluated: 2018-06-15. Review status: criteria provided, single submitter. Criteria: GeneDx Variant Classification (06012015). Collection method: clinical testing. Allele origin: germline. Affected: yes.
Comment: This variant is considered likely benign or benign based on one or more of the following criteria: it is a conservative change, it occurs at a poorly conserved position in the protein, it is predicted to be benign by multiple in silico algorithms, and/or has population frequency not consistent with disease.

NM_002734.5(PRKAR1A):c.178-234A>G

Gene: PRKAR1A (protein kinase cAMP-dependent type I regulatory subunit alpha; plus strand). Cytogenetic location: 17q24.2.
Variant type: single nucleotide variant.
Coding change: c.178-234A>G on transcript NM_002734.5 (MANE Select); 234 bases into the intron before coding-DNA position 178, A replaced by G.
Molecular consequence: intron variant.
Genome position (GRCh38, 1-based): chr17:68,522,522, A>G. VCF-style: chr17-68522522-A-G. GRCh37 (hg19) VCF-style: chr17-66518663-A-G.
Other names: c.178-234A>G (NM_001278433.2, NM_001369389.1, NM_212471.3 and 4 more transcripts).
Identifiers: ClinVar variation 677021 (VCV000677021.1), dbSNP rs2952275, ClinGen allele CA15896085.